The following is an entry in ClinVar:

NM_002474.3(MYH11):c.5192A>C (p.Lys1731Thr)

Genes: MYH11 (myosin heavy chain 11; minus strand), NDE1 (nudE neurodevelopment protein 1; plus strand). Cytogenetic location: 16p13.11.
Variant type: single nucleotide variant.
Coding change: c.5192A>C on transcript NM_002474.3 (MANE Select); coding-DNA position 5192, A replaced by C.
Protein change: p.Lys1731Thr; replaces lysine 1731 with threonine.
Molecular consequence: missense variant. On other transcripts: intron variant (2).
Genome position (GRCh38, 1-based): chr16:15,718,418, T>G on the plus strand (A>C on the coding strand, the complement: MYH11 is on the minus strand). VCF-style: chr16-15718418-T-G. GRCh37 (hg19) VCF-style: chr16-15812275-T-G.
Other names: c.5213A>C, p.Lys1738Thr (NM_001040113.2, NM_001040114.2); c.5192A>C, p.Lys1731Thr (NM_022844.3); c.948-5773T>G (NM_001143979.2, NM_017668.3); short protein forms K1731T, K1738T.
Identifiers: ClinVar variation 2703792 (VCV002703792.4), dbSNP rs2506095263, ClinGen allele CA394850250.
Genomic context (GRCh38, chr16:15,718,418, plus strand): 5'-TTGCCCTGCTCCTCCTCCAGCTCCTCCTCCAGCTGGGCGATCCGGGCCTCCAGGCGGCGC[T>G]TCTCGTCCTGGAGTGCGTTCCTGGGGGAAGGGCGGCCATGGTGGGGGCCTCTACCCTCCC-3'
Protein context (NP_002465.1, residues 1721-1741): LSGRNALQDE[Lys1731Thr]RRLEARIAQL

ClinVar aggregate classification (germline): Uncertain significance. Review status: criteria provided, multiple submitters, no conflicts (2 of 4 stars). 2 submissions from 2 submitters: Uncertain significance (2). Last evaluated 2023-12-17.

Conditions:
Aortic aneurysm, familial thoracic 4 (AAT4). Also called: AORTIC ANEURYSM/AORTIC DISSECTION AND PATENT DUCTUS ARTERIOSUS. Identifiers: MedGen C1851504, MONDO:0007568, OMIM 132900.
Familial thoracic aortic aneurysm and aortic dissection (TAAD). Also called: Thoracic aortic aneurysms and dissections. Identifiers: Orphanet 91387, MedGen C4707243, MONDO:0019625.

Submissions (2):

Labcorp Genetics (formerly Invitae), Labcorp
Classification: Uncertain significance for Aortic aneurysm, familial thoracic 4. Last evaluated: 2023-12-17. Review status: criteria provided, single submitter. Criteria: Invitae Variant Classification Sherloc (09022015). Collection method: clinical testing. Allele origin: germline.
Comment: This sequence change replaces lysine, which is basic and polar, with threonine, which is neutral and polar, at codon 1738 of the MYH11 protein (p.Lys1738Thr). This variant is not present in population databases (gnomAD no frequency). This variant has not been reported in the literature in individuals affected with MYH11-related conditions. Advanced modeling of protein sequence and biophysical properties (such as structural, functional, and spatial information, amino acid conservation, physicochemical variation, residue mobility, and thermodynamic stability) performed at Invitae indicates that this missense variant is not expected to disrupt MYH11 protein function with a negative predictive value of 95%. In summary, the available evidence is currently insufficient to determine the role of this variant in disease. Therefore, it has been classified as a Variant of Uncertain Significance.

All of Us Research Program, National Institutes of Health
Classification: Uncertain significance for Familial thoracic aortic aneurysm and aortic dissection. Last evaluated: 2023-12-01. Review status: criteria provided, single submitter. Criteria: ACMG Guidelines, 2015. Collection method: clinical testing. Allele origin: germline. Inheritance: Autosomal dominant inheritance. Observed: 1 variant allele, 1 heterozygote.
Comment: This study involves interpretation of variants in research participants for the purpose of population health screening. Participant phenotype was not available at the time of variant classification. Additional details can be found in publication PMID: 35346344, PMCID: PMC8962531